The following is an entry in ClinVar:

NM_145649.5(GCNT2):c.*225G>A

Gene: GCNT2 (glucosaminyl (N-acetyl) transferase 2 (I blood group); plus strand). Cytogenetic location: 6p24.2.
Variant type: single nucleotide variant.
Coding change: c.*225G>A on transcript NM_145649.5 (MANE Select); 225 bases downstream of the stop codon, G replaced by A.
Molecular consequence: 3 prime UTR variant.
Genome position (GRCh38, 1-based): chr6:10,626,832, G>A. VCF-style: chr6-10626832-G-A. GRCh37 (hg19) VCF-style: chr6-10627065-G-A.
Other names: c.*225G>A (NM_001374747.1, NM_001491.3, NM_145655.4).
Identifiers: ClinVar variation 354716 (VCV000354716.5), dbSNP rs6936681, ClinGen allele CA10625473.

ClinVar aggregate classification (germline): Benign (1 of 4 stars; one submission).

Conditions:
Blood group, I system (Ii). Identifiers: MedGen C0020717, OMIM 110800.

Allele frequency attached by ClinVar (database versions not stated): gnomAD exomes 0.00095; gnomAD 0.00779 and 0.00838; TOPMed 0.00884; 1000 Genomes Project 30x 0.00984; 1000 Genomes Project 0.01018.
gnomAD v4.1: 1,586 of 554,962 alleles (0.29%); highest among the groups gnomAD compares: African/African-American, 2.6%; 16 homozygotes.

Submission:

Illumina Laboratory Services, Illumina
Classification: Benign for Blood group, I system. Last evaluated: 2018-01-13. Review status: criteria provided, single submitter. Criteria: ICSL Variant Classification Criteria 13 December 2019. Collection method: clinical testing. Allele origin: germline.
Comment: This variant was observed in the ICSL laboratory as part of a predisposition screen in an ostensibly healthy population. It had not been previously curated by ICSL or reported in the Human Gene Mutation Database (HGMD: prior to June 1st, 2018), and was therefore a candidate for classification through an automated scoring system. Utilizing variant allele frequency, disease prevalence and penetrance estimates, and inheritance mode, an automated score was calculated to assess if this variant is too frequent to cause the disease. Based on the score and internal cut-off values, a variant classified as benign is not then subjected to further curation. The score for this variant resulted in a classification of benign for this disease.